The following is an entry in ClinVar:

NM_000455.5(STK11):c.809G>A (p.Gly270Glu)

Gene: STK11 (serine/threonine kinase 11; plus strand). Cytogenetic location: 19p13.3.
Variant type: single nucleotide variant.
Coding change: c.809G>A on transcript NM_000455.5 (MANE Select); coding-DNA position 809, G replaced by A.
Protein change: p.Gly270Glu; replaces glycine 270 with glutamic acid.
Molecular consequence: missense variant. On other transcripts: non-coding transcript variant (1).
Genome position (GRCh38, 1-based): chr19:1,221,287, G>A. VCF-style: chr19-1221287-G-A. GRCh37 (hg19) VCF-style: chr19-1221286-G-A.
Other names: c.809G>A, p.Gly270Glu (NM_001407255.1); short protein forms G270E.
Identifiers: ClinVar variation 5030317 (VCV005030317.1).
Genomic context (GRCh38, chr19:1,221,287, plus strand): 5'-CGGGTCTGTACCCCTTCGAAGGGGACAACATCTACAAGTTGTTTGAGAACATCGGGAAGG[G>A]GAGCTACGCCATCCCGGGCGACTGTGGCCCCCCGCTCTCTGACCTGCTGAAAGGTGGGAG-3'
Protein context (NP_000446.1, residues 260-280): IYKLFENIGK[Gly270Glu]SYAIPGDCGP

ClinVar aggregate classification (germline): Uncertain significance (1 of 4 stars; one submission).

Conditions:
Hereditary cancer-predisposing syndrome. Also called: Neoplastic Syndromes, Hereditary; Tumor predisposition; Hereditary neoplastic syndrome; Hereditary Cancer Syndrome. Identifiers: Orphanet 140162, MedGen C0027672, MeSH D009386, MONDO:0015356.

Submission:

Ambry Genetics
Classification: Uncertain significance for Hereditary cancer-predisposing syndrome. Last evaluated: 2026-07-13. Review status: criteria provided, single submitter. Criteria: Ambry Variant Classification Scheme 2023. Collection method: clinical testing. Allele origin: germline.
Comment: The p.G270E variant (also known as c.809G>A), located in coding exon 6 of the STK11 gene, results from a G to A substitution at nucleotide position 809. The glycine at codon 270 is replaced by glutamic acid, an amino acid with similar properties. This amino acid position is conserved. In addition, the in silico prediction for this alteration is inconclusive. Based on the available evidence, the clinical significance of this variant remains unclear.